The following is an entry in ClinVar:

NM_007294.4(BRCA1):c.4447_4450dup (p.Ser1484Ter)

Gene: BRCA1 (BRCA1 DNA repair associated; minus strand). Cytogenetic location: 17q21.31.
Variant type: Duplication.
Coding change: c.4447_4450dup on transcript NM_007294.4 (MANE Select); coding-DNA positions 4447 to 4450, 4 bases duplicated (AGTT; older notation c.4447_4450dupAGTT).
Protein change: p.Ser1484Ter; replaces serine 1484 with a stop codon.
Molecular consequence: nonsense. On other transcripts: frameshift variant (362), non-coding transcript variant (1).
Genome position (GRCh38, 1-based): chr17:43,076,522-43,076,525, AACT duplicated on the plus strand (AGTT on the coding strand, the reverse complement: BRCA1 is on the minus strand); duplicating any 4 consecutive bases within chr17:43,076,522-43,076,526 gives the same sequence; the c. name uses the placement nearest the transcript's 3' end. VCF-style (leftmost placement, unchanged base first): chr17-43076521-G-GAACT. GRCh37 (hg19) VCF-style: chr17-41228538-G-GAACT.
Other names: c.4233_4236dup, p.Ser1413Terfs (NM_001407896.1, NM_001407897.1, NM_001407898.1 and 12 more transcripts); c.4230_4233dup, p.Ser1412Terfs (NM_001407915.1, NM_001407916.1, NM_001407917.1 and 1 more transcripts); c.4323_4326dup, p.Ser1443Terfs (NM_001407919.1, NM_001407937.1, NM_001407938.1 and 6 more transcripts); c.4182_4185dup, p.Ser1396Terfs (NM_001407920.1, NM_001407921.1, NM_001407922.1 and 4 more transcripts); c.4179_4182dup, p.Ser1395Terfs (NM_001407927.1, NM_001407928.1, NM_001407929.1 and 4 more transcripts); c.4176_4179dup, p.Ser1394Terfs (NM_001407934.1, NM_001407935.1, NM_001407936.1); c.4320_4323dup, p.Ser1442Terfs (NM_001407939.1, NM_001407940.1, NM_001407670.1 and 11 more transcripts); c.4317_4320dup, p.Ser1441Terfs (NM_001407941.1, NM_001407681.1, NM_001407682.1 and 6 more transcripts); and 72 more; short protein forms S1437*, S380*, S1484*, S1505*.
Identifiers: ClinVar variation 1388173 (VCV001388173.9), dbSNP rs2154062615, ClinGen allele CA2573153990.

ClinVar aggregate classification (germline): Pathogenic/Likely pathogenic. Review status: criteria provided, multiple submitters, no conflicts (2 of 4 stars). 3 submissions from 3 submitters: Pathogenic (2); Likely pathogenic (1). Last evaluated 2025-05-03.

Conditions:
Hereditary breast ovarian cancer syndrome. Also called: Hereditary breast and ovarian cancer; Hereditary breast and/or ovarian cancer syndrome; Breast and ovarian cancer; BRCA1- and BRCA2-Associated Hereditary Breast and Ovarian Cancer; Hereditary breast and ovarian cancer syndrome (HBOC); Hereditary breast and ovarian cancer syndrome. Identifiers: Orphanet 145, MedGen C0677776, MeSH D061325, MONDO:0003582. Disease mechanism: loss of function.
Hereditary cancer-predisposing syndrome. Also called: Tumor predisposition; Hereditary Cancer Syndrome; Hereditary neoplastic syndrome; Neoplastic Syndromes, Hereditary. Identifiers: Orphanet 140162, MedGen C0027672, MeSH D009386, MONDO:0015356.
Breast-ovarian cancer, familial, susceptibility to, 1 (BROVCA1). Also called: OVARIAN CANCER, SUSCEPTIBILITY TO; BRCA1 Hereditary Breast and Ovarian Cancer. Identifiers: Orphanet 145, MedGen C2676676, MONDO:0011450, OMIM 604370. Disease mechanism: loss of function.

Submissions (3):

Ambry Genetics
Classification: Pathogenic for Hereditary cancer-predisposing syndrome. Last evaluated: 2025-05-03. Review status: criteria provided, single submitter. Criteria: Ambry Variant Classification Scheme 2023. Collection method: clinical testing. Allele origin: germline.
Comment: The c.4447_4450dupAGTT pathogenic mutation, located in coding exon 12 of the BRCA1 gene, results from a duplication of AGTT at nucleotide position 4447, causing a translational frameshift with a predicted alternate stop codon (p.S1484*). This variant is considered to be rare based on population cohorts in the Genome Aggregation Database (gnomAD). This alteration is expected to result in loss of function by premature protein truncation or nonsense-mediated mRNA decay. As such, this alteration is interpreted as a disease-causing mutation.

Labcorp Genetics (formerly Invitae), Labcorp
Classification: Pathogenic for Hereditary breast ovarian cancer syndrome. Last evaluated: 2024-10-30. Review status: criteria provided, single submitter. Criteria: Invitae Variant Classification Sherloc (09022015). Collection method: clinical testing. Allele origin: germline.
Comment: This sequence change creates a premature translational stop signal (p.Ser1484*) in the BRCA1 gene. It is expected to result in an absent or disrupted protein product. Loss-of-function variants in BRCA1 are known to be pathogenic (PMID: 20104584). This variant is not present in population databases (gnomAD no frequency). This variant has not been reported in the literature in individuals affected with BRCA1-related conditions. ClinVar contains an entry for this variant (Variation ID: 1388173). Algorithms developed to predict the effect of sequence changes on RNA splicing suggest that this variant may disrupt the consensus splice site. For these reasons, this variant has been classified as Pathogenic.

Baylor Genetics
Classification: Likely pathogenic for Breast-ovarian cancer, familial, susceptibility to, 1. Last evaluated: 2023-12-07. Review status: criteria provided, single submitter. Criteria: ACMG Guidelines, 2015. Collection method: clinical testing. Allele origin: unknown.

Literature cited by the submitters: PubMed 20104584 (cited by Labcorp Genetics (formerly Invitae), Labcorp).